The following is an entry in ClinVar:

NM_025137.4(SPG11):c.6155T>C (p.Leu2052Pro)

Gene: SPG11 (SPG11 vesicle trafficking associated, spatacsin; minus strand). Cytogenetic location: 15q21.1.
Variant type: single nucleotide variant.
Coding change: c.6155T>C on transcript NM_025137.4 (MANE Select); coding-DNA position 6155, T replaced by C.
Protein change: p.Leu2052Pro; replaces leucine 2052 with proline.
Molecular consequence: missense variant. On other transcripts: intron variant (1).
Genome position (GRCh38, 1-based): chr15:44,573,597, A>G on the plus strand (T>C on the coding strand, the complement: SPG11 is on the minus strand). VCF-style: chr15-44573597-A-G. GRCh37 (hg19) VCF-style: chr15-44865795-A-G.
Other names: c.5867-777T>C (NM_001160227.2); short protein forms L2052P.
Identifiers: ClinVar variation 1405256 (VCV001405256.7), dbSNP rs1430100305, ClinGen allele CA392218186.

ClinVar aggregate classification (germline): Uncertain significance. Review status: criteria provided, multiple submitters, no conflicts (2 of 4 stars). 2 submissions from 2 submitters: Uncertain significance (2). Last evaluated 2021-09-24.

Conditions:
Inborn genetic diseases. Identifiers: MedGen C0950123, MeSH D030342.
Hereditary spastic paraplegia 11. Also called: Nakamura Osame syndrome; Autosomal recessive hereditary spastic paraplegia, mental impairment, and thin corpus callosum; Spastic Paraplegia 11; SPASTIC PARAPLEGIA, AUTOSOMAL RECESSIVE, COMPLICATED, WITH THIN CORPUS CALLOSUM; SPASTIC PARAPLEGIA, AUTOSOMAL RECESSIVE, WITH MENTAL IMPAIRMENT AND THIN CORPUS CALLOSUM; Spastic paraplegia, mental retardation and thin corpus callosum. Identifiers: Orphanet 2822, MedGen C1858479, MONDO:0011445, OMIM 604360.

Allele frequency attached by ClinVar (database versions not stated): gnomAD exomes below 0.00001 and 0.00001; gnomAD 0.00001; TOPMed 0.00002.
gnomAD v4.1: 17 of 1,614,060 alleles (0.0011%); highest among the groups gnomAD compares: Non-Finnish European, 0.0014%; no homozygotes.

Submissions (2):

Labcorp Genetics (formerly Invitae), Labcorp
Classification: Uncertain significance for Hereditary spastic paraplegia 11. Last evaluated: 2021-09-24. Review status: criteria provided, single submitter. Criteria: Invitae Variant Classification Sherloc (09022015). Collection method: clinical testing. Allele origin: germline.
Comment: This sequence change replaces leucine with proline at codon 2052 of the SPG11 protein (p.Leu2052Pro). The leucine residue is highly conserved and there is a moderate physicochemical difference between leucine and proline. This variant is not present in population databases (ExAC no frequency). This variant has not been reported in the literature in individuals affected with SPG11-related conditions. Algorithms developed to predict the effect of missense changes on protein structure and function are either unavailable or do not agree on the potential impact of this missense change (SIFT: "Deleterious"; PolyPhen-2: "Probably Damaging"; Align-GVGD: "Class C0"). In summary, the available evidence is currently insufficient to determine the role of this variant in disease. Therefore, it has been classified as a Variant of Uncertain Significance.

Ambry Genetics
Classification: Uncertain significance for Inborn genetic diseases. Last evaluated: 2020-10-14. Review status: criteria provided, single submitter. Criteria: Ambry Variant Classification Scheme 2023. Collection method: clinical testing. Allele origin: germline.
Comment: The p.L2052P variant (also known as c.6155T>C), located in coding exon 32 of the SPG11 gene, results from a T to C substitution at nucleotide position 6155. The leucine at codon 2052 is replaced by proline, an amino acid with similar properties. This amino acid position is highly conserved in available vertebrate species. In addition, this alteration is predicted to be deleterious by in silico analysis. Since supporting evidence is limited at this time, the clinical significance of this alteration remains unclear.